The following is an entry in ClinVar:

ClinVar aggregate classification (germline): Conflicting classifications of pathogenicity. Review status: criteria provided, conflicting classifications (1 of 4 stars). 3 submissions from 3 submitters: Uncertain significance (1); Benign (2). Last evaluated 2026-02-12.

Allele frequency attached by ClinVar (database versions not stated): TOPMed 0.00003; ESP Exome Variant Server 0.00008; 1000 Genomes Project 30x 0.00031; gnomAD exomes 0.00037; 1000 Genomes Project 0.00040; ExAC 0.00068; gnomAD 0.00075.
gnomAD v4.1: 640 of 1,611,538 alleles (0.04%); highest among the groups gnomAD compares: African/African-American, 0.011%; 7 homozygotes.

Submissions (3):

GeneDx
Classification: Uncertain significance. Last evaluated: 2026-02-12. Review status: criteria provided, single submitter. Criteria: GeneDx Variant Classification Process June 2021. Collection method: clinical testing. Allele origin: germline.
Comment: In silico analysis supports that this missense variant has a deleterious effect on protein structure/function; Has not been previously published as pathogenic or benign to our knowledge

Labcorp Genetics (formerly Invitae), Labcorp
Classification: Benign. Last evaluated: 2026-01-19. Review status: criteria provided, single submitter. Criteria: Invitae Variant Classification Sherloc (09022015). Collection method: clinical testing. Allele origin: germline.

Blueprint Genetics
Classification: Benign. Last evaluated: 2024-05-23. Review status: criteria provided, single submitter. Criteria: ACMG Guidelines, 2015. Collection method: clinical testing. Allele origin: germline.

NM_032119.4(ADGRV1):c.8864A>G (p.Asn2955Ser)

Gene: ADGRV1 (adhesion G protein-coupled receptor V1; plus strand). Cytogenetic location: 5q14.3.
Variant type: single nucleotide variant.
Coding change: c.8864A>G on transcript NM_032119.4 (MANE Select); coding-DNA position 8864, A replaced by G.
Protein change: p.Asn2955Ser; replaces asparagine 2955 with serine.
Molecular consequence: missense variant. On other transcripts: non-coding transcript variant (1).
Genome position (GRCh38, 1-based): chr5:90,711,020, A>G. VCF-style: chr5-90711020-A-G. GRCh37 (hg19) VCF-style: chr5-90006837-A-G.
Other names: c.8864A>G (NM_032119.3); short protein forms N2955S.
Identifiers: ClinVar variation 2415394 (VCV002415394.8), dbSNP rs200391538, ClinGen allele CA3340387.